The following is an entry in ClinVar:

ClinVar aggregate classification (germline): Uncertain significance. Review status: criteria provided, multiple submitters, no conflicts (2 of 4 stars). 5 submissions from 5 submitters: Uncertain significance (5). Last evaluated 2025-01-08.

Conditions:
Combined immunodeficiency due to DOCK8 deficiency (HIES2). Also called: HYPER-IgE RECURRENT INFECTION SYNDROME 2, AUTOSOMAL RECESSIVE; DOCK8 Deficiency; HIES autosomal recessive; Hyper-IgE recurrent infection syndrome, autosomal recessive; HYPER-IgE SYNDROME 2, AUTOSOMAL RECESSIVE, WITH RECURRENT INFECTIONS. Identifiers: Orphanet 217390, MedGen C4722305, MONDO:0009478, OMIM 243700.
Hyper-IgE recurrent infection syndrome 3, autosomal recessive. Also called: Autosomal recessive hyper-IgE syndrome due to ZNF341 deficiency; HYPER-IgE SYNDROME 3, AUTOSOMAL RECESSIVE, WITH RECURRENT INFECTIONS. Identifiers: Orphanet 641368, MedGen C4748969, MONDO:0032654, OMIM 618282.

Allele frequency attached by ClinVar (database versions not stated): gnomAD 0.00001 and 0.00003; TOPMed 0.00001; gnomAD exomes 0.00006; ExAC 0.00007; 1000 Genomes Project 30x 0.00016; 1000 Genomes Project 0.00020.
gnomAD v4.1: 54 of 1,614,126 alleles (0.0033%); highest among the groups gnomAD compares: South Asian, 0.015%; no homozygotes.

Submissions (5):

Mayo Clinic Laboratories, Mayo Clinic
Classification: Uncertain significance. Last evaluated: 2025-01-08. Review status: criteria provided, single submitter. Criteria: ACMG Guidelines, 2015. Collection method: clinical testing. Allele origin: germline. Observed: 1 variant allele.

Labcorp Genetics (formerly Invitae), Labcorp
Classification: Uncertain significance for Combined immunodeficiency due to DOCK8 deficiency. Last evaluated: 2023-12-22. Review status: criteria provided, single submitter. Criteria: Invitae Variant Classification Sherloc (09022015). Collection method: clinical testing. Allele origin: germline.
Comment: This sequence change replaces arginine, which is basic and polar, with tryptophan, which is neutral and slightly polar, at codon 537 of the DOCK8 protein (p.Arg537Trp). This variant is present in population databases (rs544513633, gnomAD 0.03%). This variant has not been reported in the literature in individuals affected with DOCK8-related conditions. ClinVar contains an entry for this variant (Variation ID: 1393937). Advanced modeling of protein sequence and biophysical properties (such as structural, functional, and spatial information, amino acid conservation, physicochemical variation, residue mobility, and thermodynamic stability) has been performed at Invitae for this missense variant, however the output from this modeling did not meet the statistical confidence thresholds required to predict the impact of this variant on DOCK8 protein function. In summary, the available evidence is currently insufficient to determine the role of this variant in disease. Therefore, it has been classified as a Variant of Uncertain Significance.

Blueprint Genetics
Classification: Uncertain significance. Last evaluated: 2023-09-18. Review status: criteria provided, single submitter. Criteria: ACMG Guidelines, 2015. Collection method: clinical testing. Allele origin: germline.

Center for Genomics, Ann and Robert H. Lurie Children's Hospital of Chicago
Classification: Uncertain significance for Combined immunodeficiency due to DOCK8 deficiency. Last evaluated: 2022-02-16. Review status: criteria provided, single submitter. Criteria: ACMG Guidelines, 2015. Collection method: clinical testing. Allele origin: germline.
Comment: DOCK8 NM_203447.3 exon 14 p.Arg537Trp (c.1609C>T):This variant has not been reported in the literature but is present in 0.004% (3/68028) of European alleles in the Genome Aggregation Database. Evolutionary conservation suggests that this variant may not impact the protein; computational predictive tools suggest that this variant may impact the protein. In summary, data on this variant is insufficient for disease classification. Therefore, the clinical significance of this variant is uncertain.

Breakthrough Genomics
Classification: Uncertain significance. Review status: criteria provided, single submitter. Criteria: ACMG Guidelines, 2015. Collection method: not provided. Allele origin: germline. Inheritance: Autosomal recessive inheritance. Affected: yes.

NM_203447.4(DOCK8):c.1609C>T (p.Arg537Trp)

Gene: DOCK8 (dedicator of cytokinesis 8; plus strand). Cytogenetic location: 9p24.3.
Variant type: single nucleotide variant.
Coding change: c.1609C>T on transcript NM_203447.4 (MANE Select); coding-DNA position 1609, C replaced by T.
Protein change: p.Arg537Trp; replaces arginine 537 with tryptophan.
Molecular consequence: missense variant.
Genome position (GRCh38, 1-based): chr9:340,251, C>T. VCF-style: chr9-340251-C-T. GRCh37 (hg19) VCF-style: chr9-340251-C-T.
Other names: p.Arg537Trp; c.1609C>T (NM_203447.3); c.1405C>T, p.Arg469Trp (NM_001190458.2, NM_001193536.2); short protein forms R537W, R469W.
Identifiers: ClinVar variation 1393937 (VCV001393937.8), dbSNP rs544513633, ClinGen allele CA4957800.
Genomic context (GRCh38, chr9:340,251, plus strand): 5'-GAGATCATCAATTGCTGTCTGACTCCTGAAATGCTGCCCGTGAAACCCTTTCCTGAAAAC[C>T]GGACACGCCCGCACAAAGAGATTTTGGAATTTCCAACACGAGAAGTATATGTCCCTCACA-3'
Protein context (NP_982272.2, residues 527-547): MLPVKPFPEN[Arg537Trp]TRPHKEILEF